The following is an entry in ClinVar:

ClinVar aggregate classification (germline): Likely benign (1 of 4 stars; one submission).

Submission:

CeGaT Center for Human Genetics Tuebingen
Classification: Likely benign. Last evaluated: 2025-09-01. Review status: criteria provided, single submitter. Criteria: CeGaT Center For Human Genetics Tuebingen Variant Classification Criteria Version 2. Collection method: clinical testing. Allele origin: germline. Affected: yes. Observed: 1 variant allele.
Comment: C2orf69: BP4, BP7

NM_153689.6(C2orf69):c.753A>G (p.Pro251=)

Gene: C2orf69 (chromosome 2 open reading frame 69; plus strand). Cytogenetic location: 2q33.1.
Variant type: single nucleotide variant.
Coding change: c.753A>G on transcript NM_153689.6 (MANE Select); coding-DNA position 753, A replaced by G.
Protein change: p.Pro251=; no amino-acid change (proline 251 retained).
Molecular consequence: synonymous variant.
Genome position (GRCh38, 1-based): chr2:199,925,481, A>G. VCF-style: chr2-199925481-A-G. GRCh37 (hg19) VCF-style: chr2-200790204-A-G.
Identifiers: ClinVar variation 4281233 (VCV004281233.7).